The following is an entry in ClinVar:

ClinVar aggregate classification (germline): Benign. Review status: criteria provided, multiple submitters, no conflicts (2 of 4 stars). 2 submissions from 2 submitters: Benign (2). Last evaluated 2023-03-30.

Conditions:
Polycystic kidney disease 6 with or without polycystic liver disease. Also called: Autosomal Dominant Polycystic Kidney Disease-DNAJB11. Identifiers: MedGen C4748044, MONDO:0054842, OMIM 618061.

Submissions (2):

Molecular Genetics, Royal Melbourne Hospital
Classification: Benign for Polycystic kidney disease 6 with or without polycystic liver disease. Last evaluated: 2023-03-30. Review status: criteria provided, single submitter. Criteria: ACMG Guidelines, 2015. Collection method: clinical testing. Allele origin: germline. Affected: no.
Comment: Population AF is 44% (rs11386781, 68,599/157,350 alleles in gnomAD v2.1.1). Found in a low complexity region. Based on the classification scheme RMH ACMG Guidelines v1.1.1, this variant is classified as Benign. Following criteria met: BA1.

GeneDx
Classification: Benign. Last evaluated: 2021-05-23. Review status: criteria provided, single submitter. Criteria: GeneDx Variant Classification Process June 2021. Collection method: clinical testing. Allele origin: germline. Affected: yes.

NM_016306.6(DNAJB11):c.324-27dup

Gene: DNAJB11 (DnaJ heat shock protein family (Hsp40) member B11; plus strand). Cytogenetic location: 3q27.3.
Variant type: Duplication.
Coding change: c.324-27dup on transcript NM_016306.6 (MANE Select); 27 bases into the intron before coding-DNA position 324, one base duplicated (T; older notation c.324-27dupT).
Molecular consequence: intron variant.
Genome position (GRCh38, 1-based): chr3:186,577,641, T duplicated; the last of 13 consecutive T bases (chr3:186,577,629-186,577,641); duplicating any one gives the same sequence. VCF-style (leftmost placement, unchanged base first): chr3-186577628-A-AT. GRCh37 (hg19) VCF-style: chr3-186295417-A-AT.
Other names: c.323+1704dup (NM_001378451.1); c.324-27dupT (NM_016306.6).
Identifiers: ClinVar variation 1250834 (VCV001250834.4), dbSNP rs11386781, ClinGen allele CA2744466.